The following is an entry in ClinVar:

ClinVar aggregate classification (germline): Uncertain significance (1 of 4 stars; one submission).

Submission:

Labcorp Genetics (formerly Invitae), Labcorp
Classification: Uncertain significance. Last evaluated: 2024-11-04. Review status: criteria provided, single submitter. Criteria: Invitae Variant Classification Sherloc (09022015). Collection method: clinical testing. Allele origin: germline.
Comment: This sequence change affects codon 118 of the MBD4 mRNA. It is a 'silent' change, meaning that it does not change the encoded amino acid sequence of the MBD4 protein. This variant is not present in population databases (gnomAD no frequency). This variant has not been reported in the literature in individuals affected with MBD4-related conditions. Algorithms developed to predict the effect of sequence changes on RNA splicing suggest that this variant may disrupt the consensus splice site. In summary, the available evidence is currently insufficient to determine the role of this variant in disease. Therefore, it has been classified as a Variant of Uncertain Significance.

NM_001276270.2(MBD4):c.354C>T (p.Phe118=)

Gene: MBD4 (methyl-CpG binding domain 4, DNA glycosylase; minus strand). Cytogenetic location: 3q21.3.
Variant type: single nucleotide variant.
Coding change: c.354C>T on transcript NM_001276270.2 (MANE Select); coding-DNA position 354, C replaced by T.
Protein change: p.Phe118=; no amino-acid change (phenylalanine 118 retained).
Molecular consequence: synonymous variant. On other transcripts: intron variant (1).
Genome position (GRCh38, 1-based): chr3:129,437,290, G>A on the plus strand (C>T on the coding strand, the complement: MBD4 is on the minus strand). VCF-style: chr3-129437290-G-A. GRCh37 (hg19) VCF-style: chr3-129156133-G-A.
Other names: c.354C>T, p.Phe118= (NM_001276271.2, NM_001276272.2, NM_003925.3); c.247+518C>T (NM_001276273.2).
Identifiers: ClinVar variation 3724597 (VCV003724597.2).